The following is an entry in ClinVar:

NM_000384.3(APOB):c.9356G>A (p.Gly3119Glu)

Gene: APOB (apolipoprotein B; minus strand). Cytogenetic location: 2p24.1.
Variant type: single nucleotide variant.
Coding change: c.9356G>A on transcript NM_000384.3 (MANE Select); coding-DNA position 9356, G replaced by A.
Protein change: p.Gly3119Glu; replaces glycine 3119 with glutamic acid.
Molecular consequence: missense variant.
Genome position (GRCh38, 1-based): chr2:21,007,512, C>T on the plus strand (G>A on the coding strand, the complement: APOB is on the minus strand). VCF-style: chr2-21007512-C-T. GRCh37 (hg19) VCF-style: chr2-21230384-C-T.
Other names: short protein forms G3119E.
Identifiers: ClinVar variation 695321 (VCV000695321.21), dbSNP rs200113584, ClinGen allele CA066469.
Genomic context (GRCh38, chr2:21,007,512, plus strand): 5'-TAAGGTAGACGCATTTCAGGAATTGTTAAAGGAATGTTTAAGAAATCCAGATTTGCTTCT[C>T]CATTTATTCCTACATGGGCCTCCATAATGTTCTCGTTGTTTCCAGCAGAGAAATTTTGGT-3'
Protein context (NP_000375.3, residues 3109-3129): NIMEAHVGIN[Gly3119Glu]EANLDFLNIP

ClinVar aggregate classification (germline): Likely benign. Review status: criteria provided, multiple submitters, no conflicts (2 of 4 stars). 5 submissions from 5 submitters: Likely benign (3). 2 of the submissions do not count toward it. Last evaluated 2025-12-15.

Conditions:
Cardiovascular phenotype. Identifiers: MedGen CN230736.
Hypercholesterolemia, autosomal dominant, type B (FHCL2). Also called: Familial Hypercholesterolemia Type B; APOB-Related Familial Hypercholesterolemia, Autosomal Dominant; Hyperlipoproteinemia Type IIb; APOLIPOPROTEIN B-100, FAMILIAL DEFECTIVE; APOLIPOPROTEIN B-100, FAMILIAL LIGAND-DEFECTIVE; Familial hypercholesterolemia 2. Identifiers: MedGen C1704417, MONDO:0007751, OMIM 144010.
Familial hypobetalipoproteinemia 1. Also called: APOB-Related Familial Hypobetalipoproteinemia; Hypobetalipoproteinemia, normotriglyceridemic; Acanthocytosis with hypobetalipoproteinemia. Identifiers: MedGen C4551990, MONDO:0014252, OMIM 615558.

Allele frequency attached by ClinVar (database versions not stated): gnomAD exomes 0.00001 and 0.00005; ExAC 0.00005; TOPMed 0.00014; gnomAD 0.00019 and 0.00021; ESP Exome Variant Server 0.00031.
gnomAD v4.1: 58 of 1,613,932 alleles (0.0036%); highest among the groups gnomAD compares: African/African-American, 0.055%; no homozygotes.

Submissions (5):

Ambry Genetics
Classification: Likely benign for Cardiovascular phenotype. Last evaluated: 2025-12-15. Review status: criteria provided, single submitter. Criteria: Ambry Variant Classification Scheme 2023. Collection method: clinical testing. Allele origin: germline.

Labcorp Genetics (formerly Invitae), Labcorp
Classification: Likely benign for Familial hypobetalipoproteinemia 1; Hypercholesterolemia, autosomal dominant, type B. Last evaluated: 2025-03-30. Review status: criteria provided, single submitter. Criteria: Invitae Variant Classification Sherloc (09022015). Collection method: clinical testing. Allele origin: germline.

Women's Health and Genetics/Laboratory Corporation of America, LabCorp
Classification: Likely benign. Last evaluated: 2024-04-09. Review status: criteria provided, single submitter. Criteria: LabCorp Variant Classification Summary - May 2015. Collection method: clinical testing. Allele origin: germline.
Comment: Variant summary: APOB c.9356G>A (p.Gly3119Glu) results in a non-conservative amino acid change located in the Vitellogenin, N-terminal domain (IPR001747) of the encoded protein sequence. Four of five in-silico tools predict a damaging effect of the variant on protein function. The variant allele was found at a frequency of 5.2e-05 in 250902 control chromosomes. The observed variant frequency is approximately 3-fold of the estimated maximal expected allele frequency for a pathogenic variant in APOB causing Early Onset Coronary Artery Disease phenotype (2e-05), strongly suggesting that the variant is benign. To our knowledge, no occurrence of c.9356G>A in individuals affected with Early Onset Coronary Artery Disease and no experimental evidence demonstrating its impact on protein function have been reported. ClinVar contains an entry for this variant (Variation ID: 695321). Based on the evidence outlined above, the variant was classified as likely benign.

Clinical Genetics DNA and cytogenetics Diagnostics Lab, Erasmus MC, Erasmus Medical Center
Classification: Uncertain significance. Review status: no assertion criteria provided. Collection method: clinical testing. Allele origin: germline. Affected: yes. Study: VKGL Data-share Consensus. Not counted in ClinVar's aggregate classification.

Clinical Genetics, Academic Medical Center
Classification: Uncertain significance. Review status: no assertion criteria provided. Collection method: clinical testing. Allele origin: germline. Affected: yes. Study: VKGL Data-share Consensus. Not counted in ClinVar's aggregate classification.